The following is an entry in ClinVar:

ClinVar aggregate classification (germline): Uncertain significance (1 of 4 stars; one submission).

Conditions:
Oligodontia-cancer predisposition syndrome. Also called: TOOTH AGENESIS-COLORECTAL CANCER SYNDROME. Identifiers: Orphanet 300576, MedGen C1837750, MONDO:0012075, OMIM 608615. Disease mechanism: loss of function.

Submission:

Labcorp Genetics (formerly Invitae), Labcorp
Classification: Uncertain significance for Oligodontia-cancer predisposition syndrome. Last evaluated: 2022-03-31. Review status: criteria provided, single submitter. Criteria: Invitae Variant Classification Sherloc (09022015). Collection method: clinical testing. Allele origin: germline.
Comment: In summary, the available evidence is currently insufficient to determine the role of this variant in disease. Therefore, it has been classified as a Variant of Uncertain Significance. Variants that disrupt the consensus splice site are a relatively common cause of aberrant splicing (PMID: 17576681, 9536098). Algorithms developed to predict the effect of sequence changes on RNA splicing suggest that this variant is not likely to affect RNA splicing. This variant has not been reported in the literature in individuals affected with AXIN2-related conditions. This variant is not present in population databases (gnomAD no frequency). This sequence change falls in intron 5 of the AXIN2 gene. It does not directly change the encoded amino acid sequence of the AXIN2 protein. It affects a nucleotide within the consensus splice site.

Literature cited by the submitters: PubMed 17576681; PubMed 9536098.

NM_004655.4(AXIN2):c.1200+6G>A

Gene: AXIN2 (axin 2; minus strand). Cytogenetic location: 17q24.1.
Variant type: single nucleotide variant.
Coding change: c.1200+6G>A on transcript NM_004655.4 (MANE Select); 6 bases into the intron after coding-DNA position 1200, G replaced by A.
Molecular consequence: intron variant.
Genome position (GRCh38, 1-based): chr17:65,538,197, C>T on the plus strand (G>A on the coding strand, the complement: AXIN2 is on the minus strand). VCF-style: chr17-65538197-C-T. GRCh37 (hg19) VCF-style: chr17-63534315-C-T.
Other names: c.1200+6G>A (NM_001363813.1).
Identifiers: ClinVar variation 2119729 (VCV002119729.4), dbSNP rs2544181274, ClinGen allele CA2580095044.